The following is an entry in ClinVar:

ClinVar aggregate classification (germline): Uncertain significance (1 of 4 stars; one submission).

Conditions:
TTN-related disorder. Also called: TTN-related condition; TTN-related disease; TTN-related disorders.

Submission:

PreventionGenetics, part of Exact Sciences
Classification: Uncertain significance for TTN-related condition. Last evaluated: 2026-08-31. Review status: criteria provided, single submitter. Criteria: ACMG Guidelines, 2015. Collection method: clinical testing. Allele origin: germline.
Comment: The TTN c.60314T>C variant is predicted to result in the amino acid substitution p.Val20105Ala. To our knowledge, this variant has not been reported in the literature or in a large population database (gnomAD), indicating this variant is rare. At this time, the clinical significance of this variant is uncertain due to the absence of conclusive functional and genetic evidence.

NM_001267550.2(TTN):c.60314T>C (p.Val20105Ala)

Genes: TTN (titin; minus strand), TTN-AS1 (TTN antisense RNA 1; plus strand). Cytogenetic location: 2q31.2.
Variant type: single nucleotide variant.
Coding change: c.60314T>C on transcript NM_001267550.2 (MANE Select); coding-DNA position 60314, T replaced by C.
Protein change: p.Val20105Ala; replaces valine 20105 with alanine.
Molecular consequence: missense variant.
Genome position (GRCh38, 1-based): chr2:178,591,411, A>G on the plus strand (T>C on the coding strand, the complement: TTN is on the minus strand). VCF-style: chr2-178591411-A-G. GRCh37 (hg19) VCF-style: chr2-179456138-A-G.
Other names: c.55391T>C, p.Val18464Ala (NM_001256850.1); c.33119T>C, p.Val11040Ala (NM_003319.4); c.52610T>C, p.Val17537Ala (NM_133378.4); c.33494T>C, p.Val11165Ala (NM_133432.3); c.33695T>C, p.Val11232Ala (NM_133437.4); short protein forms V11040A, V11165A, V20105A, V11232A, V17537A, V18464A.
Identifiers: ClinVar variation 4995424 (VCV004995424.1).